The following is an entry in ClinVar:

NM_058216.3(RAD51C):c.90G>A (p.Ala30=)

Gene: RAD51C (RAD51 paralog C; plus strand). Cytogenetic location: 17q22.
Variant type: single nucleotide variant.
Coding change: c.90G>A on transcript NM_058216.3 (MANE Select); coding-DNA position 90, G replaced by A.
Protein change: p.Ala30=; no amino-acid change (alanine 30 retained).
Molecular consequence: synonymous variant. On other transcripts: non-coding transcript variant (1).
Genome position (GRCh38, 1-based): chr17:58,692,733, G>A. VCF-style: chr17-58692733-G-A. GRCh37 (hg19) VCF-style: chr17-56770094-G-A.
Other names: p.Ala30=; c.90G>A, p.Ala30= (NM_002876.4).
Identifiers: ClinVar variation 140913 (VCV000140913.52), dbSNP rs115414895, ClinGen allele CA163904.

ClinVar aggregate classification (germline): Benign/Likely benign. Review status: criteria provided, multiple submitters, no conflicts (2 of 4 stars). 20 submissions from 18 submitters: Benign (13); Likely benign (1). 6 of the submissions do not count toward it. Last evaluated 2026-02-04.

Conditions:
Breast and/or ovarian cancer. Identifiers: MedGen CN221562.
Hereditary cancer-predisposing syndrome. Also called: Neoplastic Syndromes, Hereditary; Hereditary Cancer Syndrome; Hereditary neoplastic syndrome; Tumor predisposition. Identifiers: Orphanet 140162, MedGen C0027672, MeSH D009386, MONDO:0015356.
Breast-ovarian cancer, familial, susceptibility to, 3. Also called: RAD51C-Related Breast/Ovarian Cancer. Identifiers: Orphanet 145, MedGen C3150659, MONDO:0013253, OMIM 613399.
Fanconi anemia complementation group O. Also called: RAD51C-Related Fanconi Anemia. Identifiers: Orphanet 84, MedGen C3150653, MONDO:0013248, OMIM 613390.

Allele frequency attached by ClinVar (database versions not stated): gnomAD exomes 0.00272; ExAC 0.00363; gnomAD 0.01127 and 0.01193; TOPMed 0.01235; 1000 Genomes Project 0.01378; ESP Exome Variant Server 0.01415.

Submissions (20):

Labcorp Genetics (formerly Invitae), Labcorp
Classification: Benign for Fanconi anemia complementation group O. Last evaluated: 2026-02-04. Review status: criteria provided, single submitter. Criteria: Invitae Variant Classification Sherloc (09022015). Collection method: clinical testing. Allele origin: germline.

Mayo Clinic Laboratories, Mayo Clinic
Classification: Likely benign. Last evaluated: 2025-05-03. Review status: criteria provided, single submitter. Criteria: ACMG Guidelines, 2015. Collection method: clinical testing. Allele origin: germline. Observed: 3 variant alleles.
Comment: BS1, BP4, BP7

Center for Genomic Medicine, Rigshospitalet, Copenhagen University Hospital
Classification: Benign. Last evaluated: 2025-03-04. Review status: criteria provided, single submitter. Criteria: ACMG Guidelines, 2015. Collection method: clinical testing. Allele origin: germline.

Quest Diagnostics Nichols Institute San Juan Capistrano
Classification: Benign. Last evaluated: 2024-12-16. Review status: criteria provided, single submitter. Criteria: Quest Diagnostics criteria. Collection method: clinical testing. Allele origin: unknown.

Myriad Genetics, Inc.
Classification: Benign for Breast-ovarian cancer, familial, susceptibility to, 3. Last evaluated: 2023-04-05. Review status: criteria provided, single submitter. Criteria: Myriad Autosomal Dominant, Autosomal Recessive and X-Linked Classification Criteria (2023). Collection method: clinical testing. Allele origin: unknown.
Comment: This variant is considered benign. This variant is a silent/synonymous amino acid change and it is not expected to impact splicing.

CHEO Genetics Diagnostic Laboratory, Children's Hospital of Eastern Ontario
Classification: Benign for Breast and/or ovarian cancer. Last evaluated: 2022-05-04. Review status: criteria provided, single submitter. Criteria: ACMG Guidelines, 2015. Collection method: clinical testing. Allele origin: germline.

ARUP Laboratories, Molecular Genetics and Genomics, ARUP Laboratories
Classification: Benign. Last evaluated: 2022-03-09. Review status: criteria provided, single submitter. Criteria: ARUP Molecular Germline Variant Investigation Process 2021. Collection method: clinical testing. Allele origin: germline.

Illumina Laboratory Services, Illumina
Classification: Benign for Breast-ovarian cancer, familial, susceptibility to, 3. Last evaluated: 2018-01-12. Review status: criteria provided, single submitter. Criteria: ICSL Variant Classification Criteria 13 December 2019. Collection method: clinical testing. Allele origin: germline.
Comment: This variant was observed in the ICSL laboratory as part of a predisposition screen in an ostensibly healthy population. It had not been previously curated by ICSL or reported in the Human Gene Mutation Database (HGMD: prior to June 1st, 2018), and was therefore a candidate for classification through an automated scoring system. Utilizing variant allele frequency, disease prevalence and penetrance estimates, and inheritance mode, an automated score was calculated to assess if this variant is too frequent to cause the disease. Based on the score and internal cut-off values, a variant classified as benign is not then subjected to further curation. The score for this variant resulted in a classification of benign for this disease.

Illumina Laboratory Services, Illumina
Classification: Benign for Fanconi anemia complementation group O. Last evaluated: 2018-01-12. Review status: criteria provided, single submitter. Criteria: ICSL Variant Classification Criteria 13 December 2019. Collection method: clinical testing. Allele origin: germline.
Comment: the same text as in the submission from Illumina Laboratory Services, Illumina above.

PreventionGenetics, part of Exact Sciences
Classification: Benign. Last evaluated: 2016-10-03. Review status: criteria provided, single submitter. Criteria: ACMG Guidelines, 2015. Collection method: clinical testing. Allele origin: germline.

Color Diagnostics, LLC DBA Color Health
Classification: Benign for Hereditary cancer-predisposing syndrome. Last evaluated: 2015-04-20. Review status: criteria provided, single submitter. Criteria: ACMG Guidelines, 2015. Collection method: clinical testing. Allele origin: germline.

GeneDx
Classification: Benign. Last evaluated: 2015-03-03. Review status: criteria provided, single submitter. Criteria: GeneDx Variant Classification Process June 2021. Collection method: clinical testing. Allele origin: germline. Affected: yes.

Ambry Genetics
Classification: Benign for Hereditary cancer-predisposing syndrome. Last evaluated: 2014-11-25. Review status: criteria provided, single submitter. Criteria: Ambry Variant Classification Scheme 2023. Collection method: clinical testing. Allele origin: germline.

Breakthrough Genomics
Classification: Benign. Review status: criteria provided, single submitter. Criteria: ACMG Guidelines, 2015. Collection method: not provided. Allele origin: germline. Inheritance: Autosomal recessive inheritance. Affected: yes.

True Health Diagnostics
Classification: Likely benign for Hereditary cancer-predisposing syndrome. Last evaluated: 2017-10-10. Review status: no assertion criteria provided. Collection method: clinical testing. Allele origin: germline. Not counted in ClinVar's aggregate classification.

Counsyl
Classification: Benign for Fanconi anemia complementation group O. Last evaluated: 2016-05-25. Review status: no assertion criteria provided. Collection method: clinical testing. Allele origin: unknown. Not counted in ClinVar's aggregate classification.

Counsyl
Classification: Benign for Breast-ovarian cancer, familial, susceptibility to, 3. Last evaluated: 2016-05-25. Review status: no assertion criteria provided. Collection method: clinical testing. Allele origin: unknown. Not counted in ClinVar's aggregate classification.

Clinical Genetics Laboratory, Department of Pathology, Netherlands Cancer Institute
Classification: Benign. Review status: no assertion criteria provided. Collection method: clinical testing. Allele origin: germline. Affected: yes. Study: VKGL Data-share Consensus. Not counted in ClinVar's aggregate classification.

Department of Pathology and Laboratory Medicine, Sinai Health System
Classification: Benign. Review status: no assertion criteria provided. Collection method: clinical testing. Allele origin: unknown. Affected: yes. Observed: 1 variant allele. Study: The Canadian Open Genetics Repository (COGR). Not counted in ClinVar's aggregate classification.
Comment: The RAD51C p.Ala30= variant was identified in the literature, however the frequency of this variant in an affected population was not provided and the variant is listed as a polymorphism (Rodriguez-Lopez 2004). The variant was also identified in the following databases: dbSNP (ID: rs115414895) as "With Likely benign allele", ClinVar (6x benign, 2x likely benign), and Clinvitae. The variant was not identified in Cosmic, MutDB, or the LOVD 3.0 database. The variant was identified in control databases in 1015 of 277216 chromosomes (16 homozygous) at a frequency of 0.004 increasing the likelihood this could be a low frequency benign variant (Genome Aggregation Database Feb 27, 2017). It was observed in the following populations: African in 967 of 24030 chromosomes (freq: 0.04), Other in 6 of 6468 chromosomes (freq: 0.001), Latino in 34 of 34416 chromosomes (freq: 0.001), European in 5 of 126716 chromosomes (freq: 0.00004), and South Asian in 3 of 30782 chromosomes (freq: 0.0001). The variant was not observed in the Ashkenazi Jewish, East Asian, or Finnish populations. The p.Ala30= variant is not expected to have clinical significance because it does not result in a change of amino acid and is not located in a known consensus splice site. In summary, based on the above information this variant meets our laboratory's criteria to be classified as benign.

Joint Genome Diagnostic Labs from Nijmegen and Maastricht, Radboudumc and MUMC+
Classification: Benign. Review status: no assertion criteria provided. Collection method: clinical testing. Allele origin: germline. Affected: yes. Study: VKGL Data-share Consensus. Not counted in ClinVar's aggregate classification.

Literature cited by the submitters: PubMed 15170666 (cited by Quest Diagnostics Nichols Institute San Juan Capistrano).